The following is an entry in ClinVar:

ClinVar aggregate classification (germline): Uncertain significance (1 of 4 stars; one submission).

Conditions:
Duchenne muscular dystrophy (DMD). Also called: MUSCULAR DYSTROPHY, PSEUDOHYPERTROPHIC PROGRESSIVE, DUCHENNE TYPE; Duchenne Muscular Dystrophy (DMD). Identifiers: Orphanet 98896, MedGen C0013264, MONDO:0010679, OMIM 310200.

Submission:

Labcorp Genetics (formerly Invitae), Labcorp
Classification: Uncertain significance for Duchenne muscular dystrophy. Last evaluated: 2022-04-18. Review status: criteria provided, single submitter. Criteria: Invitae Variant Classification Sherloc (09022015). Collection method: clinical testing. Allele origin: unknown.
Comment: This variant results in a copy number gain of the genomic region encompassing exon(s) 12-43 of the DMD gene. While the exact position of this variant cannot be determined from the data, sub-genic copy number gains are generally in tandem (PMID: 25640679). This variant is predicted to be in-frame, and likely preserves the integrity of the reading frame. A similar copy number variant has been observed in individual(s) with clinical features of DMD-related conditions (Invitae). Experimental studies and prediction algorithms are not available or were not evaluated, and the functional significance of this variant is currently unknown. In summary, the available evidence is currently insufficient to determine the role of this variant in disease. Therefore, it has been classified as a Variant of Uncertain Significance.

Literature cited by the submitters: PubMed 25640679.

NC_000023.10:g.(?_32305626)_(32632590_?)dup

Gene: DMD (dystrophin; minus strand). Cytogenetic location: Xp21.1.
Variant type: Duplication.
Identifiers: ClinVar variation 3242809 (VCV003242809.1).